The following is an entry in ClinVar:

NM_014141.6(CNTNAP2):c.3426C>G (p.Ser1142=)

Gene: CNTNAP2 (contactin associated protein 2; plus strand). Cytogenetic location: 7q36.1.
Variant type: single nucleotide variant.
Coding change: c.3426C>G on transcript NM_014141.6 (MANE Select); coding-DNA position 3426, C replaced by G.
Protein change: p.Ser1142=; no amino-acid change (serine 1142 retained).
Molecular consequence: synonymous variant.
Genome position (GRCh38, 1-based): chr7:148,267,077, C>G. VCF-style: chr7-148267077-C-G. GRCh37 (hg19) VCF-style: chr7-147964169-C-G.
Identifiers: ClinVar variation 507219 (VCV000507219.10), dbSNP rs749926530, ClinGen allele CA4546650.

ClinVar aggregate classification (germline): Likely benign. Review status: criteria provided, multiple submitters, no conflicts (2 of 4 stars). 2 submissions from 2 submitters: Likely benign (2). Last evaluated 2025-08-20.

Conditions:
Cortical dysplasia-focal epilepsy syndrome (PTHSL1). Also called: Pitt-Hopkins-like syndrome 1. Identifiers: Orphanet 163681, Orphanet 221150, MedGen C2750246, MONDO:0012400, OMIM 610042.

Allele frequency attached by ClinVar (database versions not stated): gnomAD 0.00003; TOPMed 0.00006.
gnomAD v4.1: 30 of 1,614,004 alleles (0.0019%); highest among the groups gnomAD compares: Non-Finnish European, 0.0023%; no homozygotes.

Submissions (2):

Labcorp Genetics (formerly Invitae), Labcorp
Classification: Likely benign for Cortical dysplasia-focal epilepsy syndrome. Last evaluated: 2025-08-20. Review status: criteria provided, single submitter. Criteria: Invitae Variant Classification Sherloc (09022015). Collection method: clinical testing. Allele origin: germline.

GeneDx
Classification: Likely benign. Last evaluated: 2017-02-01. Review status: criteria provided, single submitter. Criteria: GeneDx Variant Classification (06012015). Collection method: clinical testing. Allele origin: germline. Affected: yes.
Comment: This variant is considered likely benign or benign based on one or more of the following criteria: it is a conservative change, it occurs at a poorly conserved position in the protein, it is predicted to be benign by multiple in silico algorithms, and/or has population frequency not consistent with disease.